The following is an entry in ClinVar:

NM_001134831.2(AHI1):c.1694G>A (p.Arg565His)

Gene: AHI1 (Abelson helper integration site 1; minus strand). Cytogenetic location: 6q23.3.
Variant type: single nucleotide variant.
Coding change: c.1694G>A on transcript NM_001134831.2 (MANE Select); coding-DNA position 1694, G replaced by A.
Protein change: p.Arg565His; replaces arginine 565 with histidine.
Molecular consequence: missense variant.
Genome position (GRCh38, 1-based): chr6:135,447,093, C>T on the plus strand (G>A on the coding strand, the complement: AHI1 is on the minus strand). VCF-style: chr6-135447093-C-T. GRCh37 (hg19) VCF-style: chr6-135768231-C-T.
Other names: c.1694G>A (NM_001134831.1); c.1694G>A, p.Arg565His (NM_001134830.2, NM_001134832.2, NM_001350503.2 and 2 more transcripts); short protein forms R565H.
Identifiers: ClinVar variation 905888 (VCV000905888.39), dbSNP rs372894716, ClinGen allele CA4012542.

ClinVar aggregate classification (germline): Conflicting classifications of pathogenicity. Review status: criteria provided, conflicting classifications (1 of 4 stars). 8 submissions from 8 submitters: Uncertain significance (7); Likely benign (1). Last evaluated 2026-01-05.

Conditions:
Joubert syndrome. Also called: JOUBERT-BOLTSHAUSER SYNDROME; Familial aplasia of the vermis. Identifiers: Orphanet 475, MedGen C5979921, MONDO:0018772.
Nephronophthisis. Also called: Juvenile Nephronophthisis. Identifiers: Orphanet 655, MedGen C0687120, MONDO:0019005, HP:0000090.
Joubert syndrome 3 (JBTS3). Also called: AHI1-related Ciliopathy. Identifiers: Orphanet 220493, MedGen C1837713, MONDO:0012078, OMIM 608629.
Inborn genetic diseases. Identifiers: MedGen C0950123, MeSH D030342.

Allele frequency attached by ClinVar (database versions not stated): gnomAD 0.00007; TOPMed 0.00007; ExAC 0.00009; 1000 Genomes Project 30x 0.00016; 1000 Genomes Project 0.00020.
gnomAD v4.1: 77 of 1,611,960 alleles (0.0048%); highest among the groups gnomAD compares: East Asian, 0.013%; 1 homozygote.

Submissions (8):

Labcorp Genetics (formerly Invitae), Labcorp
Classification: Uncertain significance for Joubert syndrome. Last evaluated: 2026-01-05. Review status: criteria provided, single submitter. Criteria: Invitae Variant Classification Sherloc (09022015). Collection method: clinical testing. Allele origin: germline.
Comment: This sequence change replaces arginine, which is basic and polar, with histidine, which is basic and polar, at codon 565 of the AHI1 protein (p.Arg565His). This variant is present in population databases (rs372894716, gnomAD 0.03%). This variant has not been reported in the literature in individuals affected with AHI1-related conditions. ClinVar contains an entry for this variant (Variation ID: 905888). Invitae Evidence Modeling of protein sequence and biophysical properties (such as structural, functional, and spatial information, amino acid conservation, physicochemical variation, residue mobility, and thermodynamic stability) indicates that this missense variant is not expected to disrupt AHI1 protein function with a negative predictive value of 95%. In summary, the available evidence is currently insufficient to determine the role of this variant in disease. Therefore, it has been classified as a Variant of Uncertain Significance.

Ambry Genetics
Classification: Likely benign for Inborn genetic diseases. Last evaluated: 2025-08-08. Review status: criteria provided, single submitter. Criteria: Ambry Variant Classification Scheme 2023. Collection method: clinical testing. Allele origin: germline.

CeGaT Center for Human Genetics Tuebingen
Classification: Uncertain significance. Last evaluated: 2024-01-01. Review status: criteria provided, single submitter. Criteria: CeGaT Center For Human Genetics Tuebingen Variant Classification Criteria Version 2. Collection method: clinical testing. Allele origin: germline. Affected: yes. Observed: 1 variant allele.
Comment: AHI1: PM2:Supporting, BP4

GeneDx
Classification: Uncertain significance. Last evaluated: 2023-12-06. Review status: criteria provided, single submitter. Criteria: GeneDx Variant Classification Process June 2021. Collection method: clinical testing. Allele origin: germline. Affected: yes.
Comment: In silico analysis supports that this missense variant does not alter protein structure/function; Has not been previously published as pathogenic or benign to our knowledge

Victorian Clinical Genetics Services, Murdoch Childrens Research Institute
Classification: Uncertain significance for Joubert syndrome 3. Last evaluated: 2023-07-17. Review status: criteria provided, single submitter. Criteria: ACMG Guidelines, 2015. Collection method: clinical testing. Allele origin: germline. Inheritance: Autosomal recessive inheritance. Affected: yes.
Comment: Based on the classification scheme VCGS_Germline_v1.3.4, this variant is classified as VUS-3C. Following criteria are met: 0102 - Loss of function is a known mechanism of disease in this gene and is associated with Joubert syndrome 3 (MIM#608629). (I) 0106 - This gene is associated with autosomal recessive disease. (I) 0200 - Variant is predicted to result in a missense amino acid change from arginine to histidine. (I) 0251 - This variant is heterozygous. (I) 0304 - Variant is present in gnomAD (v2) <0.01 for a recessive condition (22 heterozygotes, 0 homozygotes). (SP) 0309 - Multiple alternative amino acid changes at the same position have been observed in gnomAD (v2) (highest allele count: 3 heterozygotes, 0 homozygotes). (I) 0504 - Same amino acid change has been observed in placental mammals. (SB) 0604 - Variant is not located in an established domain, motif, hotspot or informative constraint region. (I) 0705 - No comparable missense variants have previous evidence for pathogenicity. (I) 0809 - Previous evidence of pathogenicity for this variant is inconclusive. This variant has been classified as a VUS by several clinical laboratories in ClinVar, and has been classified as likely benign or as a VUS in LOVD. (I) 0905 - No published segregation evidence has been identified for this variant. (I) 1007 - No published functional evidence has been identified for this variant. (I) Legend: (SP) - Supporting pathogenic, (I) - Information, (SB) - Supporting benign

Clinical Genomics Laboratory, Stanford Medicine
Classification: Uncertain significance for Joubert syndrome; Juvenile Nephronophthisis. Last evaluated: 2022-09-09. Review status: criteria provided, single submitter. Criteria: ACMG Guidelines, 2015. Collection method: clinical testing. Allele origin: germline. Observed: 1 variant allele, 1 heterozygote.

Illumina Laboratory Services, Illumina
Classification: Uncertain significance for Joubert syndrome 3. Last evaluated: 2018-01-13. Review status: criteria provided, single submitter. Criteria: ICSL Variant Classification Criteria 13 December 2019. Collection method: clinical testing. Allele origin: germline.

Neuberg Centre For Genomic Medicine, NCGM
Classification: Uncertain significance for Joubert syndrome 3. Review status: criteria provided, single submitter. Criteria: ACMG Guidelines, 2015. Collection method: clinical testing. Allele origin: germline. Inheritance: Autosomal recessive inheritance. Affected: yes.